The following is an entry in ClinVar:

ClinVar aggregate classification (germline): Conflicting classifications of pathogenicity. Review status: criteria provided, conflicting classifications (1 of 4 stars). 4 submissions from 4 submitters: Uncertain significance (2); Likely benign (2). Last evaluated 2024-10-07.

Conditions:
Elliptocytosis 1 (EL1). Also called: 4.1- TRAIT; 4.1-MINUS TRAIT; PROTEIN 4.1 OF ERYTHROCYTE MEMBRANE, DEFECT OF; ELLIPTOCYTOSIS, RHESUS-LINKED TYPE. Identifiers: Orphanet 288, MedGen C2678497, MONDO:0012731, OMIM 611804.
Inborn genetic diseases. Identifiers: MedGen C0950123, MeSH D030342.

Allele frequency attached by ClinVar (database versions not stated): ExAC 0.00006; gnomAD 0.00016; TOPMed 0.00022; ESP Exome Variant Server 0.00031.
gnomAD v4.1: 53 of 1,600,398 alleles (0.0033%); highest among the groups gnomAD compares: African/African-American, 0.051%; no homozygotes.

Submissions (4):

Labcorp Genetics (formerly Invitae), Labcorp
Classification: Uncertain significance. Last evaluated: 2024-10-07. Review status: criteria provided, single submitter. Criteria: Invitae Variant Classification Sherloc (09022015). Collection method: clinical testing. Allele origin: germline.
Comment: This sequence change replaces valine, which is neutral and non-polar, with isoleucine, which is neutral and non-polar, at codon 69 of the EPB41 protein (p.Val69Ile). This variant is present in population databases (rs137895267, gnomAD 0.07%). This variant has not been reported in the literature in individuals affected with EPB41-related conditions. ClinVar contains an entry for this variant (Variation ID: 2441246). An algorithm developed to predict the effect of missense changes on protein structure and function outputs the following: PolyPhen-2: "Benign". The isoleucine amino acid residue is found in multiple mammalian species, which suggests that this missense change does not adversely affect protein function. In summary, the available evidence is currently insufficient to determine the role of this variant in disease. Therefore, it has been classified as a Variant of Uncertain Significance.

Ambry Genetics
Classification: Likely benign for Inborn genetic diseases. Last evaluated: 2024-03-11. Review status: criteria provided, single submitter. Criteria: Ambry Variant Classification Scheme 2023. Collection method: clinical testing. Allele origin: germline.

Mayo Clinic Laboratories, Mayo Clinic
Classification: Uncertain significance. Last evaluated: 2024-03-05. Review status: criteria provided, single submitter. Criteria: ACMG Guidelines, 2015. Collection method: clinical testing. Allele origin: germline. Observed: 2 variant alleles.
Comment: BP4_strong

Revvity Omics, Revvity
Classification: Likely benign for Elliptocytosis 1. Last evaluated: 2023-10-23. Review status: criteria provided, single submitter. Criteria: ACMG Guidelines, 2015. Collection method: clinical testing. Allele origin: germline.

NM_001376013.1(EPB41):c.832G>A (p.Val278Ile)

Gene: EPB41 (erythrocyte membrane protein band 4.1; plus strand). Cytogenetic location: 1p35.3.
Variant type: single nucleotide variant.
Coding change: c.832G>A on transcript NM_001376013.1 (MANE Select); coding-DNA position 832, G replaced by A.
Protein change: p.Val278Ile; replaces valine 278 with isoleucine.
Molecular consequence: missense variant.
Genome position (GRCh38, 1-based): chr1:29,015,694, G>A. VCF-style: chr1-29015694-G-A. GRCh37 (hg19) VCF-style: chr1-29342206-G-A.
Other names: p.Val278Ile; c.832G>A, p.Val278Ile (NM_001166005.2, NM_001166006.2, NM_001376014.1 and 7 more transcripts); c.205G>A, p.Val69Ile (NM_001166007.2, NM_001376026.1, NM_001376027.1 and 7 more transcripts); c.727G>A, p.Val243Ile (NM_203343.3); c.205G>A (NM_004437.3); c.832G>A (NM_001166005.1); short protein forms V243I, V278I, V69I.
Identifiers: ClinVar variation 2441246 (VCV002441246.7), dbSNP rs137895267, ClinGen allele CA724344.
Genomic context (GRCh38, chr1:29,015,694, plus strand): 5'-TTCCAACAATTAGAAACTTAGGTATAAACGTAAAATTCTTTTGTGTTTATTTTTATAGGT[G>A]TCCCTTGGAATTTTACATTTAATGTAAAGTTTTATCCACCTGACCCAGCACAGTTAACAG-3'
Protein context (NP_001362942.1, residues 268-288): AKEIKKQVRG[Val278Ile]PWNFTFNVKF